The following is an entry in ClinVar:

NM_001211.6(BUB1B):c.619G>A (p.Ala207Thr)

Gene: BUB1B (BUB1 mitotic checkpoint serine/threonine kinase B; plus strand). Cytogenetic location: 15q15.1.
Variant type: single nucleotide variant.
Coding change: c.619G>A on transcript NM_001211.6 (MANE Select); coding-DNA position 619, G replaced by A.
Protein change: p.Ala207Thr; replaces alanine 207 with threonine.
Molecular consequence: missense variant.
Genome position (GRCh38, 1-based): chr15:40,183,751, G>A. VCF-style: chr15-40183751-G-A. GRCh37 (hg19) VCF-style: chr15-40475952-G-A.
Other names: short protein forms A207T.
Identifiers: ClinVar variation 4600166 (VCV004600166.1).
Genomic context (GRCh38, chr15:40,183,751, plus strand): 5'-AGTTGTGCATTCTGCTACTTTAGACAATTCCAAGCTCGAGTGTCTCGGCAAACTCTGTTG[G>A]CACTTGAGAAAGAAGAAGAGGAGGAAGTTTTTGAGTCTTCTGTACCACAACGAAGCACAC-3'
Protein context (NP_001202.5, residues 197-217): QARVSRQTLL[Ala207Thr]LEKEEEEEVF

ClinVar aggregate classification (germline): Uncertain significance (1 of 4 stars; one submission).

Conditions:
Inborn genetic diseases. Identifiers: MedGen C0950123, MeSH D030342.

Submission:

Ambry Genetics
Classification: Uncertain significance for Inborn genetic diseases. Last evaluated: 2025-09-19. Review status: criteria provided, single submitter. Criteria: Ambry Variant Classification Scheme 2023. Collection method: clinical testing. Allele origin: germline.
Comment: The p.A207T variant (also known as c.619G>A), located in coding exon 6 of the BUB1B gene, results from a G to A substitution at nucleotide position 619. The alanine at codon 207 is replaced by threonine, an amino acid with similar properties. This amino acid position is conserved. In addition, this alteration is predicted to be tolerated by in silico analysis. Based on the available evidence, the clinical significance of this variant remains unclear.